The following is an entry in ClinVar:

ClinVar aggregate classification (germline): Likely pathogenic (1 of 4 stars; one submission).

Conditions:
Alport syndrome. Also called: Hemorrhagic familial nephritis; Hemorrhagic hereditary nephritis; Congenital hereditary hematuria. Identifiers: Orphanet 63, MedGen C1567741, MONDO:0018965.

Submission:

Natera, Inc.
Classification: Likely pathogenic for Alport syndrome. Last evaluated: 2024-04-30. Review status: criteria provided, single submitter. Criteria: Natera Variant Classification Schema (03/2026). Collection method: clinical testing. Allele origin: germline.
Comment: The c.1928-2A>T variant in COL4A3 is a canonical splice acceptor site variant predicted to affect pre-mRNA splicing, which may result in an abnormal transcript and altered protein product. This variant is expected to result in nonsense mediated decay, truncation, or a dysfunctional protein product. This variant is rare in the general population with a frequency below the threshold expected for the associated phenotype(s). This variant has been observed in one or more individuals affected with the associated recessive disease, as either homozygous or compound heterozygous with a second variant (PMID: 33772369). Given the available evidence, this variant is classified as Likely Pathogenic.

Literature cited by the submitters: PubMed 33772369.

NM_000091.5(COL4A3):c.1928-2A>T

Genes: COL4A3 (collagen type IV alpha 3 chain; plus strand), MFF-DT (MFF divergent transcript; minus strand). Cytogenetic location: 2q36.3.
Variant type: single nucleotide variant.
Coding change: c.1928-2A>T on transcript NM_000091.5 (MANE Select); the canonical splice acceptor site of the intron before coding-DNA position 1928, A replaced by T.
Molecular consequence: splice acceptor variant.
Genome position (GRCh38, 1-based): chr2:227,276,383, A>T. VCF-style: chr2-227276383-A-T. GRCh37 (hg19) VCF-style: chr2-228141099-A-T.
Identifiers: ClinVar variation 4817209 (VCV004817209.1).